The following is an entry in ClinVar:

NM_001018115.3(FANCD2):c.1252C>T (p.Gln418Ter)

Genes: FANCD2 (FA complementation group D2; plus strand), LOC107303338 (3p25 FANCD2 Alu-mediated recombination region; plus strand). Cytogenetic location: 3p25.3.
Variant type: single nucleotide variant.
Coding change: c.1252C>T on transcript NM_001018115.3 (MANE Select); coding-DNA position 1252, C replaced by T.
Protein change: p.Gln418Ter; replaces glutamine 418 with a stop codon.
Molecular consequence: nonsense.
Genome position (GRCh38, 1-based): chr3:10,046,697, C>T. VCF-style: chr3-10046697-C-T. GRCh37 (hg19) VCF-style: chr3-10088381-C-T.
Other names: c.1252C>T, p.Gln418Ter (NM_001319984.2, NM_001374253.1, NM_001374254.1 and 1 more transcripts); c.1252C>T (NM_033084.4); short protein forms Q418*.
Identifiers: ClinVar variation 2445900 (VCV002445900.1), dbSNP rs2125000569, ClinGen allele CA351734392.

ClinVar aggregate classification (germline): Likely pathogenic (1 of 4 stars; one submission).

Conditions:
Fanconi anemia (FA). Also called: Fanconi's anemia. Identifiers: Orphanet 84, MedGen C0015625, MeSH D005199, MONDO:0019391.

Submission:

Women's Health and Genetics/Laboratory Corporation of America, LabCorp
Classification: Likely pathogenic for Fanconi anemia. Last evaluated: 2023-02-17. Review status: criteria provided, single submitter. Criteria: LabCorp Variant Classification Summary - May 2015. Collection method: clinical testing. Allele origin: germline.
Comment: Variant summary: FANCD2 c.1252C>T (p.Gln418X) results in a premature termination codon, predicted to cause a truncation of the encoded protein or absence of the protein due to nonsense mediated decay, which are commonly known mechanisms for disease. Truncations downstream of this position have been classified as pathogenic by ClinVar submitters. The variant was absent in 251310 control chromosomes. To our knowledge, no occurrence of c.1252C>T in individuals affected with Fanconi Anemia and no experimental evidence demonstrating its impact on protein function have been reported. No submitters have provided clinical-significance assessments for this variant to ClinVar after 2014. Based on the evidence outlined above, the variant was classified as likely pathogenic.